The following is an entry in ClinVar:

ClinVar aggregate classification (germline): Conflicting classifications of pathogenicity. Review status: criteria provided, conflicting classifications (1 of 4 stars). 9 submissions from 7 submitters: Uncertain significance (3); Benign (1); Likely benign (5). Last evaluated 2026-01-14.

Conditions:
Cardiovascular phenotype. Identifiers: MedGen CN230736.
Ehlers-Danlos syndrome, arthrochalasia type. Also called: ARTHROCHALASIS MULTIPLEX CONGENITA; Ehlers-Danlos syndrome, arthrochalasis type; EDS VII, MUTANT PROCOLLAGEN TYPE; EDS VIIA; Ehlers-Danlos syndrome, arthrochalasia type, 1. Identifiers: Orphanet 1899, Orphanet 99875, Orphanet 99876, MedGen C4551623, MONDO:0007525, OMIM 130060.
Osteogenesis imperfecta type I (OI1). Also called: OI, TYPE I; OSTEOGENESIS IMPERFECTA TARDA; OSTEOGENESIS IMPERFECTA WITH BLUE SCLERAE; Osteogenesis imperfecta type 1; Lobstein's Disease; Lobstein disease. Identifiers: Orphanet 216796, Orphanet 666, MedGen C0023931, MONDO:0008146, OMIM 166200. Disease mechanism: loss of function.
COL1A1-related disorder. Also called: COL1A1- related disease; COL1A1-related condition.
Infantile cortical hyperostosis. Also called: Hyperostosis, Cortical, Congenital; Caffey Disease; P1PK BLOOD GROUP SYSTEM, P(2) PHENOTYPE. Identifiers: Orphanet 1310, MedGen C0020497, MONDO:0007244, OMIM 114000.
Osteogenesis imperfecta (OI). Identifiers: Orphanet 666, MedGen C0029434, MeSH D010013, MONDO:0019019.

Allele frequency attached by ClinVar (database versions not stated): TOPMed 0.00004; gnomAD exomes 0.00006; ExAC 0.00007; ESP Exome Variant Server 0.00008; gnomAD 0.00008.
gnomAD v4.1: 96 of 1,605,668 alleles (0.006%); highest among the groups gnomAD compares: Admixed American, 0.012%; 1 homozygote.

Submissions (9):

Ambry Genetics
Classification: Likely benign for Cardiovascular phenotype. Last evaluated: 2026-01-14. Review status: criteria provided, single submitter. Criteria: Ambry Variant Classification Scheme 2023. Collection method: clinical testing. Allele origin: germline.

Labcorp Genetics (formerly Invitae), Labcorp
Classification: Likely benign for Osteogenesis imperfecta type I. Last evaluated: 2025-12-12. Review status: criteria provided, single submitter. Criteria: Invitae Variant Classification Sherloc (09022015). Collection method: clinical testing. Allele origin: germline.

PreventionGenetics, part of Exact Sciences
Classification: Likely benign for COL1A1-related condition. Last evaluated: 2025-11-11. Review status: criteria provided, single submitter. Criteria: ACMG Guidelines, 2015. Collection method: clinical testing. Allele origin: germline.
Comment: This variant is classified as likely benign based on ACMG/AMP sequence variant interpretation guidelines (Richards et al. 2015 PMID: 25741868, with internal and published modifications).

CeGaT Center for Human Genetics Tuebingen
Classification: Likely benign. Last evaluated: 2025-09-01. Review status: criteria provided, single submitter. Criteria: CeGaT Center For Human Genetics Tuebingen Variant Classification Criteria Version 2. Collection method: clinical testing. Allele origin: germline. Affected: yes. Observed: 1 variant allele.
Comment: COL1A1: BP4, BP7

Women's Health and Genetics/Laboratory Corporation of America, LabCorp
Classification: Benign. Last evaluated: 2024-12-06. Review status: criteria provided, single submitter. Criteria: LabCorp Variant Classification Summary - May 2015. Collection method: clinical testing. Allele origin: germline.

ARUP Laboratories, Molecular Genetics and Genomics, ARUP Laboratories
Classification: Likely benign. Last evaluated: 2023-02-21. Review status: criteria provided, single submitter. Criteria: ARUP Molecular Germline Variant Investigation Process 2024. Collection method: clinical testing. Allele origin: germline.

Illumina Laboratory Services, Illumina
Classification: Uncertain significance for Ehlers-Danlos syndrome, arthrochalasia type. Last evaluated: 2017-04-27. Review status: criteria provided, single submitter. Criteria: ICSL Variant Classification Criteria 13 December 2019. Collection method: clinical testing. Allele origin: germline.

Illumina Laboratory Services, Illumina
Classification: Uncertain significance for Infantile cortical hyperostosis. Last evaluated: 2017-04-27. Review status: criteria provided, single submitter. Criteria: ICSL Variant Classification Criteria 13 December 2019. Collection method: clinical testing. Allele origin: germline.

Illumina Laboratory Services, Illumina
Classification: Uncertain significance for Osteogenesis imperfecta. Last evaluated: 2017-04-27. Review status: criteria provided, single submitter. Criteria: ICSL Variant Classification Criteria 13 December 2019. Collection method: clinical testing. Allele origin: germline.

NM_000088.4(COL1A1):c.2424C>T (p.Pro808=)

Gene: COL1A1 (collagen type I alpha 1 chain; minus strand). Cytogenetic location: 17q21.33.
Variant type: single nucleotide variant.
Coding change: c.2424C>T on transcript NM_000088.4 (MANE Select); coding-DNA position 2424, C replaced by T.
Protein change: p.Pro808=; no amino-acid change (proline 808 retained).
Molecular consequence: synonymous variant.
Genome position (GRCh38, 1-based): chr17:50,190,354, G>A on the plus strand (C>T on the coding strand, the complement: COL1A1 is on the minus strand). VCF-style: chr17-50190354-G-A. GRCh37 (hg19) VCF-style: chr17-48267715-G-A.
Identifiers: ClinVar variation 889519 (VCV000889519.25), dbSNP rs369699409, ClinGen allele CA8644812.